The following is an entry in ClinVar:

NM_016222.4(DDX41):c.1098+2T>G

Gene: DDX41 (DEAD-box helicase 41; minus strand). Cytogenetic location: 5q35.3.
Variant type: single nucleotide variant.
Coding change: c.1098+2T>G on transcript NM_016222.4 (MANE Select); the canonical splice donor site of the intron after coding-DNA position 1098, T replaced by G.
Molecular consequence: splice donor variant.
Genome position (GRCh38, 1-based): chr5:177,513,683, A>C on the plus strand (T>G on the coding strand, the complement: DDX41 is on the minus strand). VCF-style: chr5-177513683-A-C. GRCh37 (hg19) VCF-style: chr5-176940684-A-C.
Other names: c.720+2T>G (NM_001321830.2, NM_001321732.2).
Identifiers: ClinVar variation 1066070 (VCV001066070.9), dbSNP rs1761088462, ClinGen allele CA362374119.

ClinVar aggregate classification (germline): Likely pathogenic. Review status: criteria provided, multiple submitters, no conflicts (2 of 4 stars). 2 submissions from 2 submitters: Likely pathogenic (2). Last evaluated 2024-04-22.

Submissions (2):

Labcorp Genetics (formerly Invitae), Labcorp
Classification: Likely pathogenic. Last evaluated: 2024-04-22. Review status: criteria provided, single submitter. Criteria: Invitae Variant Classification Sherloc (09022015). Collection method: clinical testing. Allele origin: germline.
Comment: This sequence change affects a donor splice site in intron 10 of the DDX41 gene. It is expected to disrupt RNA splicing. Variants that disrupt the donor or acceptor splice site typically lead to a loss of protein function (PMID: 16199547), and loss-of-function variants in DDX41 are known to be pathogenic (PMID: 26712909, 27133828). This variant is not present in population databases (gnomAD no frequency). This variant has not been reported in the literature in individuals affected with DDX41-related conditions. ClinVar contains an entry for this variant (Variation ID: 1066070). Algorithms developed to predict the effect of sequence changes on RNA splicing suggest that this variant may disrupt the consensus splice site. In summary, the currently available evidence indicates that the variant is pathogenic, but additional data are needed to prove that conclusively. Therefore, this variant has been classified as Likely Pathogenic.

Revvity Omics, Revvity
Classification: Likely pathogenic. Last evaluated: 2022-06-30. Review status: criteria provided, single submitter. Criteria: ACMG Guidelines, 2015. Collection method: clinical testing. Allele origin: germline.

Literature cited by the submitters: PubMed 16199547 (cited by Labcorp Genetics (formerly Invitae), Labcorp); PubMed 26712909 (cited by Labcorp Genetics (formerly Invitae), Labcorp); PubMed 27133828 (cited by Labcorp Genetics (formerly Invitae), Labcorp).